The following is an entry in ClinVar:

ClinVar aggregate classification (germline): Uncertain significance (1 of 4 stars; one submission).

Conditions:
Cardiovascular phenotype. Identifiers: MedGen CN230736.

Submission:

Ambry Genetics
Classification: Uncertain significance for Cardiovascular phenotype. Last evaluated: 2024-07-17. Review status: criteria provided, single submitter. Criteria: Ambry Variant Classification Scheme 2023. Collection method: clinical testing. Allele origin: germline.
Comment: The p.N2034K variant (also known as c.6102T>A), located in coding exon 2 of the ZNF469 gene, results from a T to A substitution at nucleotide position 6102. The asparagine at codon 2034 is replaced by lysine, an amino acid with similar properties. This amino acid position is conserved. In addition, this alteration is predicted to be tolerated by in silico analysis. Based on the available evidence, the clinical significance of this variant remains unclear.

NM_001367624.2(ZNF469):c.6186T>A (p.Asn2062Lys)

Gene: ZNF469 (zinc finger protein 469; plus strand). Cytogenetic location: 16q24.2.
Variant type: single nucleotide variant.
Coding change: c.6186T>A on transcript NM_001367624.2 (MANE Select); coding-DNA position 6186, T replaced by A.
Protein change: p.Asn2062Lys; replaces asparagine 2062 with lysine.
Molecular consequence: missense variant.
Genome position (GRCh38, 1-based): chr16:88,433,656, T>A. VCF-style: chr16-88433656-T-A. GRCh37 (hg19) VCF-style: chr16-88500064-T-A.
Other names: NM_001127464.1:c.6102T>A; short protein forms N2062K.
Identifiers: ClinVar variation 3476163 (VCV003476163.1).